The following is an entry in ClinVar:

ClinVar aggregate classification (germline): Uncertain significance (1 of 4 stars; one submission).

Conditions:
MHC class I deficiency. Identifiers: Orphanet 34592, MedGen C6024714, MONDO:0011476.

Submission:

Labcorp Genetics (formerly Invitae), Labcorp
Classification: Uncertain significance for MHC class I deficiency 1. Last evaluated: 2018-06-09. Review status: criteria provided, single submitter. Criteria: Invitae Variant Classification Sherloc (09022015). Collection method: clinical testing. Allele origin: germline.
Comment: This sequence change replaces leucine with proline at codon 290 of the TAP1 protein (p.Leu290Pro). The leucine residue is moderately conserved and there is a moderate physicochemical difference between leucine and proline. This variant is not present in population databases (ExAC no frequency). In summary, the available evidence is currently insufficient to determine the role of this variant in disease. Therefore, it has been classified as a Variant of Uncertain Significance. Algorithms developed to predict the effect of missense changes on protein structure and function are either unavailable or do not agree on the potential impact of this missense change (SIFT: "Deleterious"; PolyPhen-2: "Benign"; Align-GVGD: "Class C0"). This variant has not been reported in the literature in individuals with TAP1-related disease.

NM_000593.6(TAP1):c.689T>C (p.Leu230Pro)

Gene: TAP1 (transporter 1, ATP binding cassette subfamily B member; minus strand). Cytogenetic location: 6p21.32.
Variant type: single nucleotide variant.
Coding change: c.689T>C on transcript NM_000593.6 (MANE Select); coding-DNA position 689, T replaced by C.
Protein change: p.Leu230Pro; replaces leucine 230 with proline.
Molecular consequence: missense variant.
Genome position (GRCh38, 1-based): chr6:32,852,412, A>G on the plus strand (T>C on the coding strand, the complement: TAP1 is on the minus strand). VCF-style: chr6-32852412-A-G. GRCh37 (hg19) VCF-style: chr6-32820189-A-G.
Other names: c.86T>C, p.Leu29Pro (NM_001292022.2); short protein forms L290P, L29P, L230P.
Identifiers: ClinVar variation 576027 (VCV000576027.8), dbSNP rs1562373816, ClinGen allele CA363581253.